The following is an entry in ClinVar:

ClinVar aggregate classification (germline): Conflicting classifications of pathogenicity. Review status: criteria provided, conflicting classifications (1 of 4 stars). 10 submissions from 10 submitters: Uncertain significance (6); Likely benign (3). 1 of the submissions does not count toward it. Last evaluated 2026-01-27.

Conditions:
Breast and/or ovarian cancer. Identifiers: MedGen CN221562.
Breast-ovarian cancer, familial, susceptibility to, 1 (BROVCA1). Also called: BRCA1 Hereditary Breast and Ovarian Cancer; OVARIAN CANCER, SUSCEPTIBILITY TO. Identifiers: Orphanet 145, MedGen C2676676, MONDO:0011450, OMIM 604370. Disease mechanism: loss of function.
BRCA1-related cancer predisposition. Identifiers: MedGen CN377757, MONDO:0700268.
Hereditary cancer-predisposing syndrome. Also called: Hereditary Cancer Syndrome; Hereditary neoplastic syndrome; Neoplastic Syndromes, Hereditary; Tumor predisposition. Identifiers: Orphanet 140162, MedGen C0027672, MeSH D009386, MONDO:0015356.
Hereditary breast ovarian cancer syndrome. Also called: BRCA1- and BRCA2-Associated Hereditary Breast and Ovarian Cancer; Hereditary breast and ovarian cancer syndrome; Hereditary breast and ovarian cancer syndrome (HBOC); Breast and ovarian cancer; Hereditary breast and/or ovarian cancer syndrome; Hereditary breast and ovarian cancer. Identifiers: Orphanet 145, MedGen C0677776, MeSH D061325, MONDO:0003582. Disease mechanism: loss of function.

Allele frequency attached by ClinVar (database versions not stated): ExAC 0.00002; gnomAD 0.00006 and 0.00005; gnomAD exomes 0.00001 and 0.00002; TOPMed 0.00007; ESP Exome Variant Server 0.00008.

Submissions (10):

Labcorp Genetics (formerly Invitae), Labcorp
Classification: Uncertain significance for Hereditary breast ovarian cancer syndrome. Last evaluated: 2026-01-27. Review status: criteria provided, single submitter. Criteria: Invitae Variant Classification Sherloc (09022015). Collection method: clinical testing. Allele origin: germline.
Comment: This sequence change replaces lysine, which is basic and polar, with glutamic acid, which is acidic and polar, at codon 583 of the BRCA1 protein (p.Lys583Glu). This variant is present in population databases (rs80356928, gnomAD 0.03%). This missense change has been observed in individual(s) with breast cancer (PMID: 8531968, 34326862). This variant is also known as 1606A>G (K536E). ClinVar contains an entry for this variant (Variation ID: 91562). Invitae Evidence Modeling of protein sequence and biophysical properties (such as structural, functional, and spatial information, amino acid conservation, physicochemical variation, residue mobility, and thermodynamic stability) indicates that this missense variant is not expected to disrupt BRCA1 protein function with a negative predictive value of 80%. In summary, the available evidence is currently insufficient to determine the role of this variant in disease. Therefore, it has been classified as a Variant of Uncertain Significance.

Color Diagnostics, LLC DBA Color Health
Classification: Likely benign for Hereditary cancer-predisposing syndrome. Last evaluated: 2025-02-03. Review status: criteria provided, single submitter. Criteria: ACMG Guidelines, 2015. Collection method: clinical testing. Allele origin: germline.

All of Us Research Program, National Institutes of Health
Classification: Uncertain significance for BRCA1-related cancer predisposition. Last evaluated: 2024-09-23. Review status: criteria provided, single submitter. Criteria: ACMG Guidelines, 2015. Collection method: clinical testing. Allele origin: germline. Inheritance: Autosomal dominant inheritance. Observed: 5 variant alleles, 5 heterozygotes.
Comment: This missense variant replaces lysine with glutamic acid at codon 583 of the BRCA1 protein. Computational prediction is inconclusive regarding the impact of this variant on protein structure and function (internally defined REVEL score threshold 0.5 < inconclusive < 0.7, PMID: 27666373). To our knowledge, functional studies have not been reported for this variant. This variant has been reported in a suspected hereditary breast and ovarian cancer family (DOI: 10.29058/mjwbs.798994). This variant has been identified in 7/282226 chromosomes in the general population by the Genome Aggregation Database (gnomAD). The available evidence is insufficient to determine the role of this variant in disease conclusively. Therefore, this variant is classified as a Variant of Uncertain Significance.

This study involves interpretation of variants in research participants for the purpose of population health screening. Participant phenotype was not available at the time of variant classification. Additional details can be found in publication PMID: 35346344, PMCID: PMC8962531

GeneDx
Classification: Uncertain significance. Last evaluated: 2024-05-07. Review status: criteria provided, single submitter. Criteria: GeneDx Variant Classification Process June 2021. Collection method: clinical testing. Allele origin: germline. Affected: yes.
Comment: Observed in individual(s) with personal and/or family history of breast cancer (PMID: 34326862); In silico analysis supports that this missense variant has a deleterious effect on protein structure/function; Also known as 1866A>G; This variant is associated with the following publications: (PMID: Tepebasi2021[Article], 32377563, 8531968, 29884841, 31911673, 15343273, 34326862)

CHEO Genetics Diagnostic Laboratory, Children's Hospital of Eastern Ontario
Classification: Uncertain significance for Breast and/or ovarian cancer. Last evaluated: 2023-06-29. Review status: criteria provided, single submitter. Criteria: ACMG Guidelines, 2015. Collection method: clinical testing. Allele origin: germline.

University of Washington Department of Laboratory Medicine, University of Washington
Classification: Likely benign for Hereditary cancer-predisposing syndrome. Last evaluated: 2023-03-23. Review status: criteria provided, single submitter. Criteria: Dines et al. (Genet Med. 2020). Collection method: curation. Allele origin: germline.
Comment: Missense variant in a coldspot region where missense variants are very unlikely to be pathogenic (PMID:31911673).

BRCA1 coldspot (exon 11 using historical exon numbering). Reclassification based on statistical prior probability

Ambry Genetics
Classification: Likely benign for Hereditary cancer-predisposing syndrome. Last evaluated: 2021-10-11. Review status: criteria provided, single submitter. Criteria: Ambry Variant Classification Scheme 2023. Collection method: clinical testing. Allele origin: germline.

Women's Health and Genetics/Laboratory Corporation of America, LabCorp
Classification: Uncertain significance. Last evaluated: 2019-10-22. Review status: criteria provided, single submitter. Criteria: LabCorp Variant Classification Summary - May 2015. Collection method: clinical testing. Allele origin: germline.
Comment: Variant summary: BRCA1 c.1747A>G (p.Lys583Glu) results in a conservative amino acid change in the encoded protein sequence. Five of five in-silico tools predict a benign effect of the variant on protein function. The variant allele was found at a frequency of 2e-05 in 250824 control chromosomes (gnomAD). The available data on variant occurrences in the general population are insufficient to allow any conclusion about variant significance. To our knowledge, no occurrence of c.1747A>G in individuals affected with Hereditary Breast and Ovarian Cancer and no experimental evidence demonstrating its impact on protein function have been reported. Four ClinVar submitters (evaluation after 2014) cite the variant, three as uncertain significance and once as likely benign. Based on the evidence outlined above, the variant was classified as uncertain significance.

Quest Diagnostics Nichols Institute San Juan Capistrano
Classification: Uncertain significance. Last evaluated: 2019-03-05. Review status: criteria provided, single submitter. Criteria: Quest Diagnostics criteria. Collection method: clinical testing. Allele origin: germline.

Sharing Clinical Reports Project (SCRP)
Classification: Uncertain significance for Breast-ovarian cancer, familial 1. Last evaluated: 2007-05-31. Review status: no assertion criteria provided. Collection method: clinical testing. Allele origin: germline. Not counted in ClinVar's aggregate classification.

Literature cited by the submitters: PubMed 8531968 (cited by Labcorp Genetics (formerly Invitae), Labcorp); PubMed 34326862 (cited by Labcorp Genetics (formerly Invitae), Labcorp).

NM_007294.4(BRCA1):c.1747A>G (p.Lys583Glu)

Gene: BRCA1 (BRCA1 DNA repair associated; minus strand). Cytogenetic location: 17q21.31.
Variant type: single nucleotide variant.
Coding change: c.1747A>G on transcript NM_007294.4 (MANE Select); coding-DNA position 1747, A replaced by G.
Protein change: p.Lys583Glu; replaces lysine 583 with glutamic acid.
Molecular consequence: missense variant. On other transcripts: intron variant (137).
Genome position (GRCh38, 1-based): chr17:43,093,784, T>C on the plus strand (A>G on the coding strand, the complement: BRCA1 is on the minus strand). VCF-style: chr17-43093784-T-C. GRCh37 (hg19) VCF-style: chr17-41245801-T-C.
Other names: 1866A>G; c.784+960A>G (NM_001408473.1, NM_001408399.1, NM_001407984.1 and 13 more transcripts); c.664+960A>G (NM_001408443.1, NM_001408439.1, NM_001408425.1 and 12 more transcripts); c.670+2062A>G (NM_001408419.1, NM_001408422.1, NM_001408418.1 and 2 more transcripts); c.787+960A>G (NM_001408403.1, NM_001407983.1, NM_001407975.1 and 19 more transcripts); c.790+957A>G (NM_001408406.1); c.646+960A>G (NM_001408456.1, NM_001408410.1, NM_001408458.1 and 11 more transcripts); c.643+960A>G (NM_001408465.1, NM_001408463.1, NM_001408462.1 and 3 more transcripts); and 41 more; short protein forms K583E, K536E, K456E, K471E, K516E, K287E, K512E, K542E.
Identifiers: ClinVar variation 91562 (VCV000091562.33), dbSNP rs80356928, ClinGen allele CA001144.